The following is an entry in ClinVar:

ClinVar aggregate classification (germline): Uncertain significance (1 of 4 stars; one submission).

Conditions:
Glycine encephalopathy. Also called: Nonketotic hyperglycinemia; Non-ketotic hyperglycinemia. Identifiers: Orphanet 407, MedGen C0751748, MONDO:0011612, HP:0008288.

Allele frequency attached by ClinVar (database versions not stated): gnomAD exomes below 0.00001; gnomAD 0.00001; TOPMed 0.00001.

Submission:

Labcorp Genetics (formerly Invitae), Labcorp
Classification: Uncertain significance for Glycine encephalopathy. Last evaluated: 2022-08-22. Review status: criteria provided, single submitter. Criteria: Invitae Variant Classification Sherloc (09022015). Collection method: clinical testing. Allele origin: germline.
Comment: This sequence change replaces isoleucine, which is neutral and non-polar, with threonine, which is neutral and polar, at codon 308 of the AMT protein (p.Ile308Thr). This variant is not present in population databases (gnomAD no frequency). This variant has not been reported in the literature in individuals affected with AMT-related conditions. Advanced modeling of protein sequence and biophysical properties (such as structural, functional, and spatial information, amino acid conservation, physicochemical variation, residue mobility, and thermodynamic stability) performed at Invitae indicates that this missense variant is expected to disrupt AMT protein function. In summary, the available evidence is currently insufficient to determine the role of this variant in disease. Therefore, it has been classified as a Variant of Uncertain Significance.

NM_000481.4(AMT):c.923T>C (p.Ile308Thr)

Gene: AMT (aminomethyltransferase; minus strand). Cytogenetic location: 3p21.31.
Variant type: single nucleotide variant.
Coding change: c.923T>C on transcript NM_000481.4 (MANE Select); coding-DNA position 923, T replaced by C.
Protein change: p.Ile308Thr; replaces isoleucine 308 with threonine.
Molecular consequence: missense variant. On other transcripts: non-coding transcript variant (1).
Genome position (GRCh38, 1-based): chr3:49,417,928, A>G on the plus strand (T>C on the coding strand, the complement: AMT is on the minus strand). VCF-style: chr3-49417928-A-G. GRCh37 (hg19) VCF-style: chr3-49455361-A-G.
Other names: c.791T>C, p.Ile264Thr (NM_001164710.2); c.755T>C, p.Ile252Thr (NM_001164711.2); c.923T>C, p.Ile308Thr (NM_001164712.2); short protein forms I264T, I308T, I252T.
Identifiers: ClinVar variation 2067193 (VCV002067193.1), dbSNP rs1241059925, ClinGen allele CA352789549.
Genomic context (GRCh38, chr3:49,417,928, plus strand): 5'-GCCCCCTCACACATCAACCCCACACGCCTCCGCTGCACCCTGCCCTTCAGCTGGGGAACA[A>G]TGACCTTGGCTCCAGGGAAGTCCATAGCAGCTCGGCGGCGCTTCCCTGGAGAATGACACA-3'
Protein context (NP_000472.2, residues 298-318): AAMDFPGAKV[Ile308Thr]VPQLKGRVQR